The following is an entry in ClinVar:

ClinVar aggregate classification (germline): Uncertain significance (1 of 4 stars; one submission).

Conditions:
Hereditary cancer-predisposing syndrome. Also called: Tumor predisposition; Hereditary Cancer Syndrome; Neoplastic Syndromes, Hereditary; Hereditary neoplastic syndrome. Identifiers: Orphanet 140162, MedGen C0027672, MeSH D009386, MONDO:0015356.

Submission:

Ambry Genetics
Classification: Uncertain significance for Hereditary cancer-predisposing syndrome. Last evaluated: 2018-07-18. Review status: criteria provided, single submitter. Criteria: Ambry Variant Classification Scheme 2023. Collection method: clinical testing. Allele origin: germline.
Comment: The p.R361P variant (also known as c.1082G>C), located in coding exon 4 of the MSH6 gene, results from a G to C substitution at nucleotide position 1082. The arginine at codon 361 is replaced by proline, an amino acid with dissimilar properties. This amino acid position is not well conserved in available vertebrate species. In addition, the in silico prediction for this alteration is inconclusive. In addition, the CoDP in silico tool predicts this alteration to have minor impact on molecular function, with a score of 0.000 (Terui H et al. J. Biomed. Sci. 2013 Apr;20:25). Since supporting evidence is limited at this time, the clinical significance of this alteration remains unclear.

NM_000179.3(MSH6):c.1082G>C (p.Arg361Pro)

Gene: MSH6 (mutS homolog 6; plus strand). Cytogenetic location: 2p16.3.
Variant type: single nucleotide variant.
Coding change: c.1082G>C on transcript NM_000179.3 (MANE Select); coding-DNA position 1082, G replaced by C.
Protein change: p.Arg361Pro; replaces arginine 361 with proline.
Molecular consequence: missense variant.
Genome position (GRCh38, 1-based): chr2:47,799,065, G>C. VCF-style: chr2-47799065-G-C. GRCh37 (hg19) VCF-style: chr2-48026204-G-C.
Other names: c.692G>C, p.Arg231Pro (NM_001281492.2); c.176G>C, p.Arg59Pro (NM_001281493.2, NM_001281494.2); short protein forms R59P, R361P, R231P.
Identifiers: ClinVar variation 822129 (VCV000822129.4), dbSNP rs63750440, ClinGen allele CA346741798.
Genomic context (GRCh38, chr2:47,799,065, plus strand): 5'-CTGCCCCTCAAAATTCTGAATCCCAAGCCCACGTTAGTGGAGGTGGTGATGACAGTAGTC[G>C]CCCTACTGTTTGGTATCATGAAACTTTAGAATGGCTTAAGGAGGAAAAGAGAAGAGATGA-3'
Protein context (NP_000170.1, residues 351-371): HVSGGGDDSS[Arg361Pro]PTVWYHETLE